The following is an entry in ClinVar:

ClinVar aggregate classification (germline): Uncertain significance (1 of 4 stars; one submission).

Conditions:
Joubert syndrome 15 (JBTS15). Identifiers: Orphanet 475, MedGen C3280897, MONDO:0013763, OMIM 614464.

Allele frequency attached by ClinVar (database versions not stated): gnomAD 0.00001; gnomAD exomes 0.00001 and 0.00002; TOPMed 0.00001; ExAC 0.00003.
gnomAD v4.1: 12 of 1,614,058 alleles (0.00074%); highest among the groups gnomAD compares: African/African-American, 0.0027%; no homozygotes.

Submission:

Labcorp Genetics (formerly Invitae), Labcorp
Classification: Uncertain significance for Joubert syndrome 15. Last evaluated: 2022-08-16. Review status: criteria provided, single submitter. Criteria: Invitae Variant Classification Sherloc (09022015). Collection method: clinical testing. Allele origin: germline.
Comment: This sequence change replaces glycine, which is neutral and non-polar, with serine, which is neutral and polar, at codon 352 of the CEP41 protein (p.Gly352Ser). This variant is present in population databases (rs782590600, gnomAD 0.01%). This variant has not been reported in the literature in individuals affected with CEP41-related conditions. ClinVar contains an entry for this variant (Variation ID: 957287). Algorithms developed to predict the effect of missense changes on protein structure and function output the following: SIFT: "Tolerated"; PolyPhen-2: "Benign"; Align-GVGD: "Class C0". The serine amino acid residue is found in multiple mammalian species, which suggests that this missense change does not adversely affect protein function. In summary, the available evidence is currently insufficient to determine the role of this variant in disease. Therefore, it has been classified as a Variant of Uncertain Significance.

NM_018718.3(CEP41):c.1054G>A (p.Gly352Ser)

Gene: CEP41 (centrosomal protein 41; minus strand). Cytogenetic location: 7q32.2.
Variant type: single nucleotide variant.
Coding change: c.1054G>A on transcript NM_018718.3 (MANE Select); coding-DNA position 1054, G replaced by A.
Protein change: p.Gly352Ser; replaces glycine 352 with serine.
Molecular consequence: missense variant. On other transcripts: non-coding transcript variant (1).
Genome position (GRCh38, 1-based): chr7:130,398,959, C>T on the plus strand (G>A on the coding strand, the complement: CEP41 is on the minus strand). VCF-style: chr7-130398959-C-T. GRCh37 (hg19) VCF-style: chr7-130038800-C-T.
Other names: c.838G>A, p.Gly280Ser (NM_001257158.2); c.790G>A, p.Gly264Ser (NM_001257159.2); short protein forms G352S, G264S, G280S.
Identifiers: ClinVar variation 957287 (VCV000957287.5), dbSNP rs782590600, ClinGen allele CA4485396.